The following is an entry in ClinVar:

NM_000059.4(BRCA2):c.4396T>A (p.Leu1466Ile)

Gene: BRCA2 (BRCA2 DNA repair associated; plus strand). Cytogenetic location: 13q13.1.
Variant type: single nucleotide variant.
Coding change: c.4396T>A on transcript NM_000059.4 (MANE Select); coding-DNA position 4396, T replaced by A.
Protein change: p.Leu1466Ile; replaces leucine 1466 with isoleucine.
Molecular consequence: missense variant.
Genome position (GRCh38, 1-based): chr13:32,338,751, T>A. VCF-style: chr13-32338751-T-A. GRCh37 (hg19) VCF-style: chr13-32912888-T-A.
Other names: short protein forms L1466I.
Identifiers: ClinVar variation 531308 (VCV000531308.13), dbSNP rs1555283763, ClinGen allele CA387781117.

ClinVar aggregate classification (germline): Conflicting classifications of pathogenicity. Review status: criteria provided, conflicting classifications (1 of 4 stars). 5 submissions from 5 submitters: Uncertain significance (4); Likely benign (1). Last evaluated 2024-01-24.

Conditions:
Prostate cancer. Also called: Malignant tumor of prostate. Identifiers: Orphanet 1331, MedGen C0376358, MONDO:0008315, HP:0012125.
Medulloblastoma (MDB). Also called: MEDULLOBLASTOMA PREDISPOSITION SYNDROME; Medulloblastoma, somatic. Identifiers: Orphanet 616, MedGen C0025149, MeSH D008527, MONDO:0007959, OMIM 155255, HP:0002885.
Familial cancer of breast. Also called: BREAST CANCER, FAMILIAL; Hereditary breast cancer; hereditary breast carcinoma. Identifiers: Orphanet 227535, MedGen C0346153, MONDO:0016419, OMIM 114480. Disease mechanism: loss of function.
Breast-ovarian cancer, familial, susceptibility to, 2 (BROVCA2). Also called: BRCA2 Hereditary Breast and Ovarian Cancer. Identifiers: Orphanet 145, MedGen C2675520, MONDO:0012933, OMIM 612555. Disease mechanism: loss of function.
Fanconi anemia complementation group D1. Also called: BRCA2-Related Fanconi Anemia. Identifiers: Orphanet 319462, MedGen C1838457, MONDO:0011584, OMIM 605724.
Wilms tumor 1 (WT1). Also called: Wilms tumor, somatic. Identifiers: Orphanet 654, MedGen CN033288, MONDO:0008679, OMIM 194070.
Pancreatic cancer, susceptibility to, 2. Identifiers: Orphanet 1333, MedGen C3150546, MONDO:0013235, OMIM 613347.
Glioma susceptibility 3 (GLM3). Also called: Glioblastoma 3. Identifiers: Orphanet 182067, Orphanet 360, MedGen C2751641, MONDO:0013093, OMIM 613029.
Hereditary breast ovarian cancer syndrome. Also called: Hereditary breast and ovarian cancer syndrome; Breast and ovarian cancer; Hereditary breast and/or ovarian cancer syndrome; Hereditary breast and ovarian cancer syndrome (HBOC); BRCA1- and BRCA2-Associated Hereditary Breast and Ovarian Cancer; Hereditary breast and ovarian cancer. Identifiers: Orphanet 145, MedGen C0677776, MeSH D061325, MONDO:0003582. Disease mechanism: loss of function.
Hereditary cancer-predisposing syndrome. Also called: Hereditary Cancer Syndrome; Hereditary neoplastic syndrome; Neoplastic Syndromes, Hereditary; Tumor predisposition. Identifiers: Orphanet 140162, MedGen C0027672, MeSH D009386, MONDO:0015356.

Submissions (5):

Labcorp Genetics (formerly Invitae), Labcorp
Classification: Uncertain significance for Hereditary breast ovarian cancer syndrome. Last evaluated: 2024-01-24. Review status: criteria provided, single submitter. Criteria: Invitae Variant Classification Sherloc (09022015). Collection method: clinical testing. Allele origin: germline.
Comment: This sequence change replaces leucine, which is neutral and non-polar, with isoleucine, which is neutral and non-polar, at codon 1466 of the BRCA2 protein (p.Leu1466Ile). This variant is not present in population databases (gnomAD no frequency). This variant has not been reported in the literature in individuals affected with BRCA2-related conditions. ClinVar contains an entry for this variant (Variation ID: 531308). Advanced modeling of protein sequence and biophysical properties (such as structural, functional, and spatial information, amino acid conservation, physicochemical variation, residue mobility, and thermodynamic stability) performed at Invitae indicates that this missense variant is not expected to disrupt BRCA2 protein function with a negative predictive value of 95%. In summary, the available evidence is currently insufficient to determine the role of this variant in disease. Therefore, it has been classified as a Variant of Uncertain Significance.

Quest Diagnostics Nichols Institute San Juan Capistrano
Classification: Uncertain significance. Last evaluated: 2024-01-24. Review status: criteria provided, single submitter. Criteria: Quest Diagnostics criteria. Collection method: clinical testing. Allele origin: unknown.
Comment: The BRCA2 c.4396T>A (p.Leu1466Ile) variant has been reported in the published literature to be located in a region of the BRCA2 gene that is tolerant to missense sequence changes (PMID: 31911673 (2020)). To the best of our knowledge, this variant has not been reported in individuals with BRCA2-related disorders. This variant has not been reported in large, multi-ethnic general populations (Genome Aggregation Database). Analysis of this variant using bioinformatics tools for the prediction of the effect of amino acid changes on protein structure and function yielded predictions that this variant is benign. Based on the available information, we are unable to determine the clinical significance of this variant.

All of Us Research Program, National Institutes of Health
Classification: Uncertain significance for Breast-ovarian cancer, familial, susceptibility to, 2. Last evaluated: 2023-12-18. Review status: criteria provided, single submitter. Criteria: ACMG Guidelines, 2015. Collection method: clinical testing. Allele origin: germline. Inheritance: Autosomal dominant inheritance. Observed: 1 variant allele, 1 heterozygote.
Comment: This missense variant replaces leucine with isoleucine at codon 1466 of the BRCA2 protein. Computational prediction suggests that this variant may not impact protein structure and function (internally defined REVEL score threshold <= 0.5, PMID: 27666373). To our knowledge, functional studies have not been reported for this variant. This variant has not been reported in individuals affected with BRCA2-related disorders in the literature. This variant has not been identified in the general population by the Genome Aggregation Database (gnomAD). The available evidence is insufficient to determine the role of this variant in disease conclusively. Therefore, this variant is classified as a Variant of Uncertain Significance.

This study involves interpretation of variants in research participants for the purpose of population health screening. Participant phenotype was not available at the time of variant classification. Additional details can be found in publication PMID: 35346344, PMCID: PMC8962531

University of Washington Department of Laboratory Medicine, University of Washington
Classification: Likely benign for Hereditary cancer-predisposing syndrome. Last evaluated: 2023-03-23. Review status: criteria provided, single submitter. Criteria: Dines et al. (Genet Med. 2020). Collection method: curation. Allele origin: germline.
Comment: Missense variant in a coldspot region where missense variants are very unlikely to be pathogenic (PMID:31911673).

BRCA2 exon 11 coldspot. Reclassification based on statistical prior probability.

Fulgent Genetics
Classification: Uncertain significance for Familial cancer of breast; Medulloblastoma; Familial prostate cancer; Wilms tumor 1; Fanconi anemia complementation group D1; Breast-ovarian cancer, familial, susceptibility to, 2; Glioma susceptibility 3; Pancreatic cancer, susceptibility to, 2. Last evaluated: 2022-03-15. Review status: criteria provided, single submitter. Criteria: ACMG Guidelines, 2015. Collection method: clinical testing. Allele origin: unknown.

Literature cited by the submitters: PubMed 31911673 (cited by Quest Diagnostics Nichols Institute San Juan Capistrano).